The following is an entry in ClinVar:

ClinVar aggregate classification (germline): Likely benign. Review status: criteria provided, multiple submitters, no conflicts (2 of 4 stars). 2 submissions from 2 submitters: Likely benign (2). Last evaluated 2025-06-18.

Conditions:
CNGB1-related disorder. Also called: CNGB1-related condition.

Allele frequency attached by ClinVar (database versions not stated): gnomAD 0.00001; gnomAD exomes 0.00002 and 0.00004; ExAC 0.00004; TOPMed 0.00004.
gnomAD v4.1: 15 of 1,613,742 alleles (0.00093%); highest among the groups gnomAD compares: Admixed American, 0.02%; no homozygotes.

Submissions (2):

PreventionGenetics, part of Exact Sciences
Classification: Likely benign for CNGB1-related condition. Last evaluated: 2025-06-18. Review status: criteria provided, single submitter. Criteria: ACMG Guidelines, 2015. Collection method: clinical testing. Allele origin: germline.
Comment: This variant is classified as likely benign based on ACMG/AMP sequence variant interpretation guidelines (Richards et al. 2015 PMID: 25741868, with internal and published modifications).

Labcorp Genetics (formerly Invitae), Labcorp
Classification: Likely benign. Last evaluated: 2023-08-04. Review status: criteria provided, single submitter. Criteria: Invitae Variant Classification Sherloc (09022015). Collection method: clinical testing. Allele origin: germline.

NM_001297.5(CNGB1):c.1535+10T>C

Gene: CNGB1 (cyclic nucleotide gated channel subunit beta 1; minus strand). Cytogenetic location: 16q21.
Variant type: single nucleotide variant.
Coding change: c.1535+10T>C on transcript NM_001297.5 (MANE Select); 10 bases into the intron after coding-DNA position 1535, T replaced by C.
Molecular consequence: intron variant.
Genome position (GRCh38, 1-based): chr16:57,931,706, A>G on the plus strand (T>C on the coding strand, the complement: CNGB1 is on the minus strand). VCF-style: chr16-57931706-A-G. GRCh37 (hg19) VCF-style: chr16-57965610-A-G.
Other names: c.1517+10T>C (NM_001286130.2); c.1535+10T>C (NM_001297.4).
Identifiers: ClinVar variation 1621741 (VCV001621741.10), dbSNP rs781197120, ClinGen allele CA8083407.